The following is an entry in ClinVar:

NM_001366057.1(OTUD4):c.3288T>G (p.Phe1096Leu)

Gene: OTUD4 (OTU deubiquitinase 4; minus strand). Cytogenetic location: 4q31.21.
Variant type: single nucleotide variant.
Coding change: c.3288T>G on transcript NM_001366057.1 (MANE Select); coding-DNA position 3288, T replaced by G.
Protein change: p.Phe1096Leu; replaces phenylalanine 1096 with leucine.
Molecular consequence: missense variant.
Genome position (GRCh38, 1-based): chr4:145,137,487, A>C on the plus strand (T>G on the coding strand, the complement: OTUD4 is on the minus strand). VCF-style: chr4-145137487-A-C. GRCh37 (hg19) VCF-style: chr4-146058639-A-C.
Other names: c.3093T>G, p.Phe1031Leu (NM_001102653.1); short protein forms F1031L, F1096L.
Identifiers: ClinVar variation 4879456 (VCV004879456.1).

ClinVar aggregate classification (germline): Uncertain significance (1 of 4 stars; one submission).

Conditions:
Congenital hypogonadotropic hypogonadism. Identifiers: Orphanet 174590, MedGen C3899503, MONDO:0015770.

gnomAD v4.1: 293 of 1,612,548 alleles (0.018%); highest among the groups gnomAD compares: East Asian, 0.54%; 1 homozygote.

Submission:

Department of Pediatrics, Asan Medical Center, University of Ulsan College of Medicine
Classification: Uncertain significance for Congenital hypogonadotropic hypogonadism. Last evaluated: 2026-07-19. Review status: criteria provided, single submitter. Criteria: ACMG Guidelines, 2015. Collection method: research. Allele origin: germline. Inheritance: Autosomal recessive inheritance. Affected: yes. Observed: 1 compound heterozygote.
Comment: ACMG/AMP evidence codes: PM2_Supporting, BP4. In silico predictions: CADD 22.3, PolyPhen-2 benign, SIFT damaging, REVEL 0.096, MutationTaster polymorphism. gnomAD MAF (East Asian): 0.005379. Novel variant.